The following is an entry in ClinVar:

ClinVar aggregate classification (germline): Uncertain significance (1 of 4 stars; one submission).

Submission:

Labcorp Genetics (formerly Invitae), Labcorp
Classification: Uncertain significance. Last evaluated: 2025-03-23. Review status: criteria provided, single submitter. Criteria: Invitae Variant Classification Sherloc (09022015). Collection method: clinical testing. Allele origin: germline.
Comment: This sequence change replaces proline, which is neutral and non-polar, with leucine, which is neutral and non-polar, at codon 279 of the WNT1 protein (p.Pro279Leu). The frequency data for this variant in the population databases is considered unreliable, as metrics indicate poor data quality at this position in the gnomAD database. This variant has not been reported in the literature in individuals affected with WNT1-related conditions. Invitae Evidence Modeling of protein sequence and biophysical properties (such as structural, functional, and spatial information, amino acid conservation, physicochemical variation, residue mobility, and thermodynamic stability) indicates that this missense variant is not expected to disrupt WNT1 protein function with a negative predictive value of 80%. In summary, the available evidence is currently insufficient to determine the role of this variant in disease. Therefore, it has been classified as a Variant of Uncertain Significance.

NM_005430.4(WNT1):c.836C>T (p.Pro279Leu)

Gene: WNT1 (Wnt family member 1; plus strand). Cytogenetic location: 12q13.12.
Variant type: single nucleotide variant.
Coding change: c.836C>T on transcript NM_005430.4 (MANE Select); coding-DNA position 836, C replaced by T.
Protein change: p.Pro279Leu; replaces proline 279 with leucine.
Molecular consequence: missense variant.
Genome position (GRCh38, 1-based): chr12:48,981,363, C>T. VCF-style: chr12-48981363-C-T. GRCh37 (hg19) VCF-style: chr12-49375146-C-T.
Other names: short protein forms P279L.
Identifiers: ClinVar variation 4702943 (VCV004702943.1).